The following is an entry in ClinVar:

ClinVar aggregate classification (germline): Conflicting classifications of pathogenicity. Review status: criteria provided, conflicting classifications (1 of 4 stars). 2 submissions from 2 submitters: Uncertain significance (1); Likely benign (1). Last evaluated 2026-01-27.

Conditions:
Neurodevelopmental disorder with dysmorphic facies, sleep disturbance, and brain abnormalities. Identifiers: MedGen C5436821, MONDO:0030852, OMIM 619103.

gnomAD v4.1: 2 of 1,614,056 alleles (0.00012%); highest among the groups gnomAD compares: South Asian, 0.0011%; no homozygotes.

Submissions (2):

Centre for Medical Genetics,  Mumbai
Classification: Likely benign for Neurodevelopmental disorder with dysmorphic facies, sleep disturbance, and brain abnormalities. Last evaluated: 2026-01-27. Review status: criteria provided, single submitter. Criteria: ACMG Guidelines, 2015. Collection method: provider interpretation. Allele origin: germline. Inheritance: Autosomal dominant inheritance. Affected: no. Observed: 1 heterozygote.
Comment: The variant satisfies PM2 criteria; Extremely low frequency in gnomAD population databases. The variant classifies PP2 criteria; Missense variant in a gene with low rate of benign missense mutations and for which missense mutation is a common mechanism of a disease. However, the variant satisfies BS2 criteria.

Ambry Genetics
Classification: Uncertain significance. Last evaluated: 2024-03-25. Review status: criteria provided, single submitter. Criteria: Ambry Variant Classification Scheme 2023. Collection method: clinical testing. Allele origin: germline.

Literature cited by the submitters: PubMed 32822602 (cited by Centre for Medical Genetics,  Mumbai).

NM_182710.3(KAT5):c.1136G>A (p.Cys379Tyr)

Gene: KAT5 (lysine acetyltransferase 5; plus strand). Cytogenetic location: 11q13.1.
Variant type: single nucleotide variant.
Coding change: c.1136G>A on transcript NM_182710.3 (MANE Select); coding-DNA position 1136, G replaced by A.
Protein change: p.Cys379Tyr; replaces cysteine 379 with tyrosine.
Molecular consequence: missense variant.
Genome position (GRCh38, 1-based): chr11:65,716,773, G>A. VCF-style: chr11-65716773-G-A. GRCh37 (hg19) VCF-style: chr11-65484244-G-A.
Other names: c.980G>A, p.Cys327Tyr (NM_001206833.2); c.1037G>A, p.Cys346Tyr (NM_006388.4); c.881G>A, p.Cys294Tyr (NM_182709.3); short protein forms C379Y, C327Y, C346Y, C294Y.
Identifiers: ClinVar variation 3287379 (VCV003287379.2).